The following is an entry in ClinVar:

ClinVar aggregate classification (germline): Conflicting classifications of pathogenicity. Review status: criteria provided, conflicting classifications (1 of 4 stars). 2 submissions from 2 submitters: Likely pathogenic (1); Uncertain significance (1). Last evaluated 2016-08-19.

Conditions:
Cardiovascular phenotype. Identifiers: MedGen CN230736.

Submissions (2):

Ambry Genetics
Classification: Likely pathogenic for Cardiovascular phenotype. Last evaluated: 2016-08-19. Review status: criteria provided, single submitter. Criteria: Ambry Variant Classification Scheme 2023. Collection method: clinical testing. Allele origin: germline.
Comment: The p.L1042P variant (also known as c.3125T>C) is located in coding exon 13 of the KCNH2 gene and results from a T to C substitution at nucleotide position 3125. The leucine at codon 1042 is replaced by proline, an amino acid with a few similar properties. This alteration was observed to segregate with long QT syndrome in one family tested by our laboratory. This variant was not reported in population based cohorts in the following databases: Database of Single Nucleotide Polymorphisms (dbSNP), NHLBI Exome Sequencing Project (ESP), and 1000 Genomes Project. In the ESP, this variant was not observed in 5798 samples (11596 alleles) with coverage at this position. This amino acid position is highly conserved in available vertebrate species. In addition, this alteration is predicted to be deleterious by in silico analysis. Furthermore, structural analysis predicts that this alteration is likely to result in destabilization of a functional protein domain (PDB ID:4UZX, Jacobsen, J.O.B., Allen, M.D., Freund, S.M.V., Bycroft, M. High-Resolution NMR Structures of the Domains of Saccharomyces Cerevisiae Tho1 in press. can be obtained from an online resource). Based on the majority of available evidence to date, this variant is likely to be pathogenic.

Molecular Diagnostic Laboratory for Inherited Cardiovascular Disease, Montreal Heart Institute
Classification: Uncertain significance. Review status: criteria provided, single submitter. Criteria: ACMG Guidelines, 2015. Collection method: clinical testing. Allele origin: germline. Affected: yes.

NM_000238.4(KCNH2):c.3125T>C (p.Leu1042Pro)

Gene: KCNH2 (potassium voltage-gated channel subfamily H member 2; minus strand). Cytogenetic location: 7q36.1.
Variant type: single nucleotide variant.
Coding change: c.3125T>C on transcript NM_000238.4 (MANE Select); coding-DNA position 3125, T replaced by C.
Protein change: p.Leu1042Pro; replaces leucine 1042 with proline.
Molecular consequence: missense variant.
Genome position (GRCh38, 1-based): chr7:150,947,355, A>G on the plus strand (T>C on the coding strand, the complement: KCNH2 is on the minus strand). VCF-style: chr7-150947355-A-G. GRCh37 (hg19) VCF-style: chr7-150644443-A-G.
Other names: c.2105T>C, p.Leu702Pro (NM_172057.3); short protein forms L1042P, L702P.
Identifiers: ClinVar variation 264155 (VCV000264155.7), dbSNP rs886039064, ClinGen allele CA10587639.